The following is an entry in ClinVar:

ClinVar aggregate classification (germline): Uncertain significance (1 of 4 stars; one submission).

Submission:

Labcorp Genetics (formerly Invitae), Labcorp
Classification: Uncertain significance. Last evaluated: 2022-11-07. Review status: criteria provided, single submitter. Criteria: Invitae Variant Classification Sherloc (09022015). Collection method: clinical testing. Allele origin: germline.
Comment: Advanced modeling of protein sequence and biophysical properties (such as structural, functional, and spatial information, amino acid conservation, physicochemical variation, residue mobility, and thermodynamic stability) performed at Invitae indicates that this missense variant is expected to disrupt LEMD3 protein function. In summary, the available evidence is currently insufficient to determine the role of this variant in disease. Therefore, it has been classified as a Variant of Uncertain Significance. This variant has not been reported in the literature in individuals affected with LEMD3-related conditions. This variant is not present in population databases (gnomAD no frequency). This sequence change replaces arginine, which is basic and polar, with histidine, which is basic and polar, at codon 36 of the LEMD3 protein (p.Arg36His).

NM_014319.5(LEMD3):c.107G>A (p.Arg36His)

Gene: LEMD3 (LEM domain containing 3; plus strand). Cytogenetic location: 12q14.3.
Variant type: single nucleotide variant.
Coding change: c.107G>A on transcript NM_014319.5 (MANE Select); coding-DNA position 107, G replaced by A.
Protein change: p.Arg36His; replaces arginine 36 with histidine.
Molecular consequence: missense variant.
Genome position (GRCh38, 1-based): chr12:65,169,703, G>A. VCF-style: chr12-65169703-G-A. GRCh37 (hg19) VCF-style: chr12-65563483-G-A.
Other names: c.107G>A, p.Arg36His (NM_001167614.2); short protein forms R36H.
Identifiers: ClinVar variation 2960147 (VCV002960147.3), dbSNP rs1320705631, ClinGen allele CA385671655.